The following is an entry in ClinVar:

NM_001457.4(FLNB):c.3886C>T (p.Pro1296Ser)

Gene: FLNB (filamin B; plus strand). Cytogenetic location: 3p14.3.
Variant type: single nucleotide variant.
Coding change: c.3886C>T on transcript NM_001457.4 (MANE Select); coding-DNA position 3886, C replaced by T.
Protein change: p.Pro1296Ser; replaces proline 1296 with serine.
Molecular consequence: missense variant.
Genome position (GRCh38, 1-based): chr3:58,124,493, C>T. VCF-style: chr3-58124493-C-T. GRCh37 (hg19) VCF-style: chr3-58110220-C-T.
Other names: c.3886C>T, p.Pro1296Ser (NM_001164317.2, NM_001164318.2, NM_001164319.2); short protein forms P1296S.
Identifiers: ClinVar variation 1303271 (VCV001303271.9), dbSNP rs148350434, ClinGen allele CA2468567.

ClinVar aggregate classification (germline): Conflicting classifications of pathogenicity. Review status: criteria provided, conflicting classifications (1 of 4 stars). 3 submissions from 3 submitters: Uncertain significance (1); Likely benign (2). Last evaluated 2025-10-02.

Conditions:
Inborn genetic diseases. Identifiers: MedGen C0950123, MeSH D030342.

Allele frequency attached by ClinVar (database versions not stated): gnomAD exomes 0.00002 and 0.00004; ExAC 0.00005; gnomAD 0.00013 and 0.00014; 1000 Genomes Project 30x 0.00016; TOPMed 0.00018; 1000 Genomes Project 0.00020; ESP Exome Variant Server 0.00038.
gnomAD v4.1: 45 of 1,614,230 alleles (0.0028%); highest among the groups gnomAD compares: African/African-American, 0.057%; no homozygotes.

Submissions (3):

Labcorp Genetics (formerly Invitae), Labcorp
Classification: Likely benign. Last evaluated: 2025-10-02. Review status: criteria provided, single submitter. Criteria: Invitae Variant Classification Sherloc (09022015). Collection method: clinical testing. Allele origin: germline.

Ambry Genetics
Classification: Likely benign for Inborn genetic diseases. Last evaluated: 2023-02-13. Review status: criteria provided, single submitter. Criteria: Ambry Variant Classification Scheme 2023. Collection method: clinical testing. Allele origin: germline.

GeneDx
Classification: Uncertain significance. Last evaluated: 2019-07-15. Review status: criteria provided, single submitter. Criteria: GeneDx Variant Classification Process June 2021. Collection method: clinical testing. Allele origin: germline. Affected: yes.
Comment: In silico analysis, which includes protein predictors and evolutionary conservation, supports a deleterious effect; Has not been previously published as pathogenic or benign to our knowledge